The following is an entry in ClinVar:

ClinVar aggregate classification (germline): Benign/Likely benign. Review status: criteria provided, multiple submitters, no conflicts (2 of 4 stars). 6 submissions from 6 submitters: Benign (2); Likely benign (4). Last evaluated 2025-11-18.

Conditions:
PROS1-related disorder. Also called: PROS1-related condition.
Thrombophilia due to protein S deficiency, autosomal recessive (THPH6). Identifiers: Orphanet 743, MedGen C3281092, MONDO:0013791, OMIM 614514. Disease mechanism: loss of function.
Thrombophilia due to protein S deficiency, autosomal dominant (THPH5). Identifiers: Orphanet 26349, Orphanet 743, MedGen C3278211, MONDO:0012868, OMIM 612336. Disease mechanism: loss of function.

Allele frequency attached by ClinVar (database versions not stated): gnomAD 0.00003 and 0.00028; TOPMed 0.00006; gnomAD exomes 0.00044 and 0.00072; ExAC 0.00082; 1000 Genomes Project 30x 0.00203; 1000 Genomes Project 0.00240.
gnomAD v4.1: 686 of 1,613,836 alleles (0.043%); highest among the groups gnomAD compares: South Asian, 0.66%; 12 homozygotes.

Submissions (6):

Labcorp Genetics (formerly Invitae), Labcorp
Classification: Benign for Thrombophilia due to protein S deficiency, autosomal recessive. Last evaluated: 2025-11-18. Review status: criteria provided, single submitter. Criteria: Invitae Variant Classification Sherloc (09022015). Collection method: clinical testing. Allele origin: germline.

PreventionGenetics, part of Exact Sciences
Classification: Benign for PROS1-related condition. Last evaluated: 2025-01-24. Review status: criteria provided, single submitter. Criteria: ACMG Guidelines, 2015. Collection method: clinical testing. Allele origin: germline.
Comment: This variant is classified as benign based on ACMG/AMP sequence variant interpretation guidelines (Richards et al. 2015 PMID: 25741868, with internal and published modifications).

Blueprint Genetics
Classification: Likely benign. Last evaluated: 2024-10-18. Review status: criteria provided, single submitter. Criteria: ACMG Guidelines, 2015. Collection method: clinical testing. Allele origin: germline.

CeGaT Center for Human Genetics Tuebingen
Classification: Likely benign. Last evaluated: 2022-12-01. Review status: criteria provided, single submitter. Criteria: CeGaT Center For Human Genetics Tuebingen Variant Classification Criteria Version 2. Collection method: clinical testing. Allele origin: germline. Affected: yes. Observed: 1 variant allele.
Comment: PROS1: BP4, BP7, BS2

Illumina Laboratory Services, Illumina
Classification: Likely benign for Thrombophilia due to protein S deficiency, autosomal dominant. Last evaluated: 2018-01-13. Review status: criteria provided, single submitter. Criteria: ICSL Variant Classification Criteria 13 December 2019. Collection method: clinical testing. Allele origin: germline.
Comment: This variant was observed in the ICSL laboratory as part of a predisposition screen in an ostensibly healthy population. It had not been previously curated by ICSL or reported in the Human Gene Mutation Database (HGMD: prior to June 1st, 2018), and was therefore a candidate for classification through an automated scoring system. Utilizing variant allele frequency, disease prevalence and penetrance estimates, and inheritance mode, an automated score was calculated to assess if this variant is too frequent to cause the disease. Based on the score and internal cut-off values, a variant classified as likely benign is not then subjected to further curation. The score for this variant resulted in a classification of likely benign for this disease.

Breakthrough Genomics
Classification: Likely benign. Review status: criteria provided, single submitter. Criteria: ACMG Guidelines, 2015. Collection method: not provided. Allele origin: germline. Inheritance: Autosomal recessive inheritance. Affected: yes.

NM_000313.4(PROS1):c.1446C>T (p.Gly482=)

Gene: PROS1 (protein S; minus strand). Cytogenetic location: 3q11.1.
Variant type: single nucleotide variant.
Coding change: c.1446C>T on transcript NM_000313.4 (MANE Select); coding-DNA position 1446, C replaced by T.
Protein change: p.Gly482=; no amino-acid change (glycine 482 retained).
Molecular consequence: synonymous variant.
Genome position (GRCh38, 1-based): chr3:93,884,774, G>A on the plus strand (C>T on the coding strand, the complement: PROS1 is on the minus strand). VCF-style: chr3-93884774-G-A. GRCh37 (hg19) VCF-style: chr3-93603618-G-A.
Other names: c.1542C>T, p.Gly514= (NM_001314077.2).
Identifiers: ClinVar variation 696478 (VCV000696478.40), dbSNP rs535201753, ClinGen allele CA2503190.